The following is an entry in ClinVar:

NM_006767.4(LZTR1):c.2210A>G (p.Glu737Gly)

Gene: LZTR1 (leucine zipper like post translational regulator 1; plus strand). Cytogenetic location: 22q11.21.
Variant type: single nucleotide variant.
Coding change: c.2210A>G on transcript NM_006767.4 (MANE Select); coding-DNA position 2210, A replaced by G.
Protein change: p.Glu737Gly; replaces glutamic acid 737 with glycine.
Molecular consequence: missense variant.
Genome position (GRCh38, 1-based): chr22:20,996,103, A>G. VCF-style: chr22-20996103-A-G. GRCh37 (hg19) VCF-style: chr22-21350392-A-G.
Other names: short protein forms E737G.
Identifiers: ClinVar variation 3238216 (VCV003238216.1), dbSNP rs2518624756.
Genomic context (GRCh38, chr22:20,996,103, plus strand): 5'-GGCAGGCCTTCGAGTCCATGCTGCGCTACATCTACTACGGCGAGGTCAACATGCCGCCCG[A>G]GGACTCGCTGCATCCTCACTCCCCAGTGAACTCCCAGGTCCCCACCAAGGGGTCCTGGCA-3'
Protein context (NP_006758.2, residues 727-747): IYYGEVNMPP[Glu737Gly]DSLYLFAAPY

ClinVar aggregate classification (germline): Uncertain significance (1 of 4 stars; one submission).

Conditions:
Hereditary cancer-predisposing syndrome. Also called: Neoplastic Syndromes, Hereditary; Tumor predisposition; Hereditary neoplastic syndrome; Hereditary Cancer Syndrome. Identifiers: Orphanet 140162, MedGen C0027672, MeSH D009386, MONDO:0015356.
Cardiovascular phenotype. Identifiers: MedGen CN230736.

Submission:

Ambry Genetics
Classification: Uncertain significance for Cardiovascular phenotype; Hereditary cancer-predisposing syndrome. Last evaluated: 2023-05-23. Review status: criteria provided, single submitter. Criteria: Ambry Variant Classification Scheme 2023. Collection method: clinical testing. Allele origin: germline.
Comment: The p.E737G variant (also known as c.2210A>G), located in coding exon 18 of the LZTR1 gene, results from an A to G substitution at nucleotide position 2210. The glutamic acid at codon 737 is replaced by glycine, an amino acid with similar properties. This amino acid position is conserved. In addition, the in silico prediction for this alteration is inconclusive. Since supporting evidence is limited at this time, the clinical significance of this alteration remains unclear.